The following is an entry in ClinVar:

ClinVar aggregate classification (germline): Pathogenic (1 of 4 stars; one submission).

Conditions:
Anemia, nonspherocytic hemolytic, due to G6PD deficiency (CNSHA1). Also called: Hemolytic anemia due to G6PD deficiency; Class I glucose-6-phosphate dehydrogenase deficiency; Favism, susceptibility to; ANEMIA, CONGENITAL, NONSPHEROCYTIC HEMOLYTIC, 1. Identifiers: Orphanet 466026, MedGen C2720289, MONDO:0010480, OMIM 300908.

Submission:

Dunham Lab, University of Washington
Classification: Pathogenic for Anemia, nonspherocytic hemolytic, due to G6PD deficiency. Last evaluated: 2022-08-12. Review status: criteria provided, single submitter. Criteria: Bayesian ACMG Guidelines, 2018. Collection method: curation. Allele origin: de novo. Affected: yes.
Comment: Decreased activity in red blood cells (13-39%) (PS3). Computational evidences support a deleterious effect at splicing and at protein level (PP3). Not found in gnomAD (PM2). Post_P 0.999 (odds of pathogenicity 6551, Prior_P 0.1).

Literature cited by the submitters: PubMed 32387441.

NM_001360016.2(G6PD):c.770G>A (p.Arg257Gln)

Gene: G6PD (glucose-6-phosphate dehydrogenase; minus strand). Cytogenetic location: Xq28.
Variant type: single nucleotide variant.
Coding change: c.770G>A on transcript NM_001360016.2 (MANE Select); coding-DNA position 770, G replaced by A.
Protein change: p.Arg257Gln; replaces arginine 257 with glutamine.
Molecular consequence: missense variant.
Genome position (GRCh38, 1-based): chrX:154,534,035, C>T on the plus strand (G>A on the coding strand, the complement: G6PD is on the minus strand). VCF-style: chrX-154534035-C-T. GRCh37 (hg19) VCF-style: chrX-153762250-C-T.
Other names: G6PD Funes; c.860G>A, p.Arg287Gln (NM_000402.4); c.770G>A, p.Arg257Gln (NM_001042351.3); short protein forms R257Q, R287Q.
Identifiers: ClinVar variation 1722662 (VCV001722662.2), dbSNP rs1334317184, ClinGen allele CA16622115.